The following is an entry in ClinVar:

NM_001174147.2(LMX1B):c.*1995C>G

Gene: LMX1B (LIM homeobox transcription factor 1 beta; plus strand). Cytogenetic location: 9q33.3.
Variant type: single nucleotide variant.
Coding change: c.*1995C>G on transcript NM_001174147.2 (MANE Select); 1995 bases downstream of the stop codon, C replaced by G.
Molecular consequence: 3 prime UTR variant.
Genome position (GRCh38, 1-based): chr9:126,698,446, C>G. VCF-style: chr9-126698446-C-G. GRCh37 (hg19) VCF-style: chr9-129460725-C-G.
Other names: c.*1995C>G (NM_001174146.2, NM_002316.4).
Identifiers: ClinVar variation 364948 (VCV000364948.5), dbSNP rs74498940, ClinGen allele CA10632298.
Genomic context (GRCh38, chr9:126,698,446, plus strand): 5'-GCCCATTAATGCATCCTCTTTGGGGGACACATTCCAATTGCATTTCCTGCCCCCTTCTCC[C>G]AGGGCAATTGCAGAAGATTGTGTCAGGCGCCCTGCTGGAAGTCAGGTGCACTAGATCCAT-3'

ClinVar aggregate classification (germline): Benign (1 of 4 stars; one submission).

Conditions:
Nail-patella syndrome (NPS). Also called: FONG DISEASE; ONYCHOOSTEODYSPLASIA; TURNER-KIESER SYNDROME. Identifiers: Orphanet 2614, MedGen C0027341, MONDO:0008061, OMIM 161200.

Allele frequency attached by ClinVar (database versions not stated): gnomAD 0.01225 and 0.01310; TOPMed 0.01319; 1000 Genomes Project 30x 0.01702; 1000 Genomes Project 0.01757.

Submission:

Illumina Laboratory Services, Illumina
Classification: Benign for Nail-patella syndrome. Last evaluated: 2018-01-13. Review status: criteria provided, single submitter. Criteria: ICSL Variant Classification Criteria 13 December 2019. Collection method: clinical testing. Allele origin: germline.
Comment: This variant was observed in the ICSL laboratory as part of a predisposition screen in an ostensibly healthy population. It had not been previously curated by ICSL or reported in the Human Gene Mutation Database (HGMD: prior to June 1st, 2018), and was therefore a candidate for classification through an automated scoring system. Utilizing variant allele frequency, disease prevalence and penetrance estimates, and inheritance mode, an automated score was calculated to assess if this variant is too frequent to cause the disease. Based on the score and internal cut-off values, a variant classified as benign is not then subjected to further curation. The score for this variant resulted in a classification of benign for this disease.